The following is an entry in ClinVar:

ClinVar aggregate classification (germline): Uncertain significance (1 of 4 stars; one submission).

gnomAD v4.1: 2 of 1,604,076 alleles (0.00012%); highest among the groups gnomAD compares: Non-Finnish European, 0.00017%; no homozygotes.

Submission:

CeGaT Center for Human Genetics Tuebingen
Classification: Uncertain significance. Last evaluated: 2025-06-01. Review status: criteria provided, single submitter. Criteria: CeGaT Center For Human Genetics Tuebingen Variant Classification Criteria Version 2. Collection method: clinical testing. Allele origin: germline. Affected: yes. Observed: 1 variant allele.
Comment: FRAS1: PM2, BP4

NM_025074.7(FRAS1):c.4474A>G (p.Ile1492Val)

Gene: FRAS1 (Fraser extracellular matrix complex subunit 1; plus strand). Cytogenetic location: 4q21.21.
Variant type: single nucleotide variant.
Coding change: c.4474A>G on transcript NM_025074.7 (MANE Select); coding-DNA position 4474, A replaced by G.
Protein change: p.Ile1492Val; replaces isoleucine 1492 with valine.
Molecular consequence: missense variant.
Genome position (GRCh38, 1-based): chr4:78,418,997, A>G. VCF-style: chr4-78418997-A-G. GRCh37 (hg19) VCF-style: chr4-79340151-A-G.
Other names: c.4474A>G, p.Ile1492Val (NM_001166133.2); short protein forms I1492V.
Identifiers: ClinVar variation 3904973 (VCV003904973.10).